The following is an entry in ClinVar:

NM_000053.4(ATP7B):c.4327G>T (p.Ala1443Ser)

Gene: ATP7B (ATPase copper transporting beta; minus strand). Cytogenetic location: 13q14.3.
Variant type: single nucleotide variant.
Coding change: c.4327G>T on transcript NM_000053.4 (MANE Select); coding-DNA position 4327, G replaced by T.
Protein change: p.Ala1443Ser; replaces alanine 1443 with serine.
Molecular consequence: missense variant.
Genome position (GRCh38, 1-based): chr13:51,934,827, C>A on the plus strand (G>T on the coding strand, the complement: ATP7B is on the minus strand). VCF-style: chr13-51934827-C-A. GRCh37 (hg19) VCF-style: chr13-52508963-C-A.
Other names: c.3706G>T, p.Ala1236Ser (NM_001005918.3); c.3994G>T, p.Ala1332Ser (NM_001243182.2); c.4093G>T, p.Ala1365Ser (NM_001330578.2); c.4075G>T, p.Ala1359Ser (NM_001330579.2); short protein forms A1236S, A1332S, A1443S, A1365S, A1359S.
Identifiers: ClinVar variation 1384711 (VCV001384711.6), dbSNP rs764383437, ClinGen allele CA388019046.
Genomic context (GRCh38, chr13:51,934,827, plus strand): 5'-GCTCCTCATCCCTGCCATTCAGGAGCAGAGACCACTTGTCCCCATCATCGTCTGCTGCAG[C>A]GCTGTGCCGAGATGGCTTGTCGGACGTCAGGGAGGACAGCGACACCTGGCTGACATAGCT-3'
Protein context (NP_000044.2, residues 1433-1453): LTSDKPSRHS[Ala1443Ser]AADDDGDKWS

ClinVar aggregate classification (germline): Uncertain significance (1 of 4 stars; one submission).

Conditions:
Wilson disease (WND). Also called: Wilson's disease. Identifiers: Orphanet 905, MedGen C0019202, MONDO:0010200, OMIM 277900. Disease mechanism: loss of function.

Submission:

Labcorp Genetics (formerly Invitae), Labcorp
Classification: Uncertain significance for Wilson disease. Last evaluated: 2022-09-12. Review status: criteria provided, single submitter. Criteria: Invitae Variant Classification Sherloc (09022015). Collection method: clinical testing. Allele origin: germline.
Comment: This variant is not present in population databases (gnomAD no frequency). In summary, the available evidence is currently insufficient to determine the role of this variant in disease. Therefore, it has been classified as a Variant of Uncertain Significance. Advanced modeling of protein sequence and biophysical properties (such as structural, functional, and spatial information, amino acid conservation, physicochemical variation, residue mobility, and thermodynamic stability) performed at Invitae indicates that this missense variant is not expected to disrupt ATP7B protein function. ClinVar contains an entry for this variant (Variation ID: 1384711). This variant has not been reported in the literature in individuals affected with ATP7B-related conditions. This sequence change replaces alanine, which is neutral and non-polar, with serine, which is neutral and polar, at codon 1443 of the ATP7B protein (p.Ala1443Ser).